The following is an entry in ClinVar:

ClinVar aggregate classification (germline): Uncertain significance. Review status: criteria provided, single submitter (1 of 4 stars). 2 submissions from 2 submitters: Uncertain significance (1). 1 of the submissions does not count toward it. Last evaluated 2020-07-29.

Conditions:
Hypotrichosis 5 (HYPT5). Also called: MARIE UNNA HEREDITARY HYPOTRICHOSIS 2. Identifiers: Orphanet 444, MedGen C2748535, MONDO:0013017, OMIM 612841.

Allele frequency attached by ClinVar (database versions not stated): TOPMed below 0.00001.

Submissions (2):

SIB Swiss Institute of Bioinformatics
Classification: Uncertain significance for Hypotrichosis 5. Last evaluated: 2020-07-29. Review status: criteria provided, single submitter. Criteria: ACMG Guidelines, 2015. Collection method: curation. Allele origin: unknown.
Comment: This variant is interpreted as a variant of uncertain significance for Hypotrichosis 5, autosomal dominant. The following ACMG Tag(s) were applied: Absent from controls (or at extremely low frequency if recessive) in Exome Sequencing Project, 1000 Genomes Project, or Exome Aggregation Consortium (PM2); Cosegregation with disease in multiple affected family members in a gene definitively known to cause the disease (PP1); Multiple lines of computational evidence suggest no impact on gene or gene product (BP4).

OMIM
Classification: Pathogenic for HYPOTRICHOSIS 5 (1 family). Last evaluated: 2020-03-30. Review status: no assertion criteria provided. Collection method: literature only. Allele origin: germline. Not counted in ClinVar's aggregate classification.

Literature cited by the submitters: PubMed 23099647 (cited by SIB Swiss Institute of Bioinformatics and OMIM); PubMed 15347323 (cited by OMIM).

NM_133181.4(EPS8L3):c.22G>A (p.Ala8Thr)

Gene: EPS8L3 (EPS8 like 3; minus strand). Cytogenetic location: 1p13.3.
Variant type: single nucleotide variant.
Coding change: c.22G>A on transcript NM_133181.4 (MANE Select); coding-DNA position 22, G replaced by A.
Protein change: p.Ala8Thr; replaces alanine 8 with threonine.
Molecular consequence: missense variant. On other transcripts: intron variant (1).
Genome position (GRCh38, 1-based): chr1:109,761,728, C>T on the plus strand (G>A on the coding strand, the complement: EPS8L3 is on the minus strand). VCF-style: chr1-109761728-C-T. GRCh37 (hg19) VCF-style: chr1-110304350-C-T.
Other names: c.22G>A, p.Ala8Thr (NM_024526.4, NM_139053.3); c.-71-169G>A (NM_001319952.2); short protein forms A8T.
Identifiers: ClinVar variation 830234 (VCV000830234.2), dbSNP rs1650987435, ClinGen allele CA341555843.